The following is an entry in ClinVar:

ClinVar aggregate classification (germline): Uncertain significance (1 of 4 stars; one submission).

Submission:

Labcorp Genetics (formerly Invitae), Labcorp
Classification: Uncertain significance. Last evaluated: 2023-10-06. Review status: criteria provided, single submitter. Criteria: Invitae Variant Classification Sherloc (09022015). Collection method: clinical testing. Allele origin: germline.
Comment: This variant, c.215_217dup, results in the insertion of 1 amino acid(s) of the RUNX2 protein (p.Glu72dup), but otherwise preserves the integrity of the reading frame. The frequency data for this variant in the population databases is considered unreliable, as metrics indicate poor data quality at this position in the gnomAD database. This variant has not been reported in the literature in individuals affected with RUNX2-related conditions. In summary, the available evidence is currently insufficient to determine the role of this variant in disease. Therefore, it has been classified as a Variant of Uncertain Significance.

NM_001024630.4(RUNX2):c.212AGG[3] (p.Glu72_Ala73insGlu)

Genes: RUNX2 (RUNX family transcription factor 2; plus strand), LOC109611589 (runt related transcription factor 2 polyalanine expansion region; plus strand). Cytogenetic location: 6p21.1.
Variant type: Microsatellite.
Coding change: c.212AGG[3] on transcript NM_001024630.4 (MANE Select); three copies in a row of the 3-base unit AGG starting at c.212; the reference has two copies in a row; one copy, 3 bases duplicated.
Protein change: p.Glu72_Ala73insGlu.
Molecular consequence: inframe insertion. On other transcripts: inframe indel (1).
Genome position (GRCh38, 1-based): chr6:45,422,749-45,422,751, AGG duplicated; duplicating any 3 consecutive bases within chr6:45,422,746-45,422,751 gives the same sequence; the position shown is the placement nearest the transcript's 3' end. VCF-style (leftmost placement, unchanged base first): chr6-45422745-C-CAGG. GRCh37 (hg19) VCF-style: chr6-45390482-C-CAGG.
Other names: c.212AGG[3], p.Glu72_Ala73insGlu (NM_001015051.4); c.170AGG[3], p.Glu58_Ala59insGlu (NM_001278478.2, NM_001369405.1); c.170_172AGG[3], p.Glu58_Ala59insGlu (NM_004348.3).
Identifiers: ClinVar variation 2903269 (VCV002903269.3), dbSNP rs756600003, ClinGen allele CA3836306.